The following is an entry in ClinVar:

NM_001127208.3(TET2):c.1684C>A (p.Pro562Thr)

Genes: TET2 (tet methylcytosine dioxygenase 2; plus strand), TET2-AS1 (TET2 antisense RNA 1; minus strand). Cytogenetic location: 4q24.
Variant type: single nucleotide variant.
Coding change: c.1684C>A on transcript NM_001127208.3 (MANE Select); coding-DNA position 1684, C replaced by A.
Protein change: p.Pro562Thr; replaces proline 562 with threonine.
Molecular consequence: missense variant.
Genome position (GRCh38, 1-based): chr4:105,235,626, C>A. VCF-style: chr4-105235626-C-A. GRCh37 (hg19) VCF-style: chr4-106156783-C-A.
Other names: c.1684C>A, p.Pro562Thr (NM_017628.4); short protein forms P562T.
Identifiers: ClinVar variation 4865540 (VCV004865540.1).
Genomic context (GRCh38, chr4:105,235,626, plus strand): 5'-AAGGGTCGAGACAAGGAGCAAACACGAGATCTTGTGCCCCCAACACAGCACTATCTGAAA[C>A]CAGGATGGATTGAATTGAAGGCCCCTCGTTTTCACCAAGCGGAATCCCATCTAAAACGTA-3'
Protein context (NP_001120680.1, residues 552-572): LVPPTQHYLK[Pro562Thr]GWIELKAPRF

ClinVar aggregate classification (germline): Uncertain significance (1 of 4 stars; one submission).

Submission:

Ambry Genetics
Classification: Uncertain significance. Last evaluated: 2026-04-16. Review status: criteria provided, single submitter. Criteria: Ambry Variant Classification Scheme 2023. Collection method: clinical testing. Allele origin: germline.
Comment: The p.P562T variant (also known as c.1684C>A), located in coding exon 1 of the TET2 gene, results from a C to A substitution at nucleotide position 1684. The proline at codon 562 is replaced by threonine, an amino acid with highly similar properties. This amino acid position is conserved. In addition, this alteration is predicted to be tolerated by in silico analysis. Based on the available evidence, the clinical significance of this variant remains unclear.